The following is an entry in ClinVar:

NM_181872.6(DMRT2):c.329G>A (p.Gly110Asp)

Gene: DMRT2 (doublesex and mab-3 related transcription factor 2; plus strand). Cytogenetic location: 9p24.3.
Variant type: single nucleotide variant.
Coding change: c.329G>A on transcript NM_181872.6 (MANE Select); coding-DNA position 329, G replaced by A.
Protein change: p.Gly110Asp; replaces glycine 110 with aspartic acid.
Molecular consequence: missense variant. On other transcripts: 5 prime UTR variant (1), non-coding transcript variant (1).
Genome position (GRCh38, 1-based): chr9:1,051,942, G>A. VCF-style: chr9-1051942-G-A. GRCh37 (hg19) VCF-style: chr9-1051942-G-A.
Other names: c.329G>A, p.Gly110Asp (NM_001130865.3, NM_001370531.1, NM_001370533.1 and 4 more transcripts); c.-322G>A (NM_001370532.1); c.329G>A (NM_181872.4); short protein forms G110D.
Identifiers: ClinVar variation 1434251 (VCV001434251.7), dbSNP rs978078325, ClinGen allele CA187867332.

ClinVar aggregate classification (germline): Uncertain significance. Review status: criteria provided, multiple submitters, no conflicts (2 of 4 stars). 2 submissions from 2 submitters: Uncertain significance (2). Last evaluated 2024-12-02.

Allele frequency attached by ClinVar (database versions not stated): gnomAD exomes 0.00001; gnomAD 0.00017 and 0.00019; TOPMed 0.00019.
gnomAD v4.1: 32 of 1,366,090 alleles (0.0023%); highest among the groups gnomAD compares: African/African-American, 0.046%; no homozygotes.

Submissions (2):

Labcorp Genetics (formerly Invitae), Labcorp
Classification: Uncertain significance. Last evaluated: 2024-12-02. Review status: criteria provided, single submitter. Criteria: Invitae Variant Classification Sherloc (09022015). Collection method: clinical testing. Allele origin: germline.
Comment: This sequence change replaces glycine, which is neutral and non-polar, with aspartic acid, which is acidic and polar, at codon 110 of the DMRT2 protein (p.Gly110Asp). This variant is present in population databases (no rsID available, gnomAD 0.08%), and has an allele count higher than expected for a pathogenic variant. This variant has not been reported in the literature in individuals affected with DMRT2-related conditions. ClinVar contains an entry for this variant (Variation ID: 1434251). An algorithm developed to predict the effect of missense changes on protein structure and function (PolyPhen-2) suggests that this variant is likely to be tolerated. In summary, the available evidence is currently insufficient to determine the role of this variant in disease. Therefore, it has been classified as a Variant of Uncertain Significance.

Ambry Genetics
Classification: Uncertain significance. Last evaluated: 2024-08-11. Review status: criteria provided, single submitter. Criteria: Ambry Variant Classification Scheme 2023. Collection method: clinical testing. Allele origin: germline.